The following is an entry in ClinVar:

ClinVar aggregate classification (germline): Uncertain significance (1 of 4 stars; one submission).

Conditions:
Familial thoracic aortic aneurysm and aortic dissection (TAAD). Also called: Thoracic aortic aneurysms and dissections. Identifiers: Orphanet 91387, MedGen C4707243, MONDO:0019625.

gnomAD v4.1: 1 of 1,613,182 alleles (0.000062%); highest among the groups gnomAD compares: Non-Finnish European, 0.000085%; no homozygotes.

Submission:

Ambry Genetics
Classification: Uncertain significance for Familial thoracic aortic aneurysm and aortic dissection. Last evaluated: 2026-09-11. Review status: criteria provided, single submitter. Criteria: Ambry Variant Classification Scheme 2023. Collection method: clinical testing. Allele origin: germline.
Comment: The p.K514R variant (also known as c.1541A>G), located in coding exon 13 of the PRKG1 gene, results from an A to G substitution at nucleotide position 1541. The lysine at codon 514 is replaced by arginine, an amino acid with highly similar properties. This amino acid position is highly conserved in available vertebrate species. In addition, the in silico prediction for this alteration is inconclusive. Based on the available evidence, the clinical significance of this variant remains unclear.

NM_006258.4(PRKG1):c.1541A>G (p.Lys514Arg)

Gene: PRKG1 (protein kinase cGMP-dependent 1; plus strand). Cytogenetic location: 10q21.1.
Variant type: single nucleotide variant.
Coding change: c.1541A>G on transcript NM_006258.4 (MANE Select); coding-DNA position 1541, A replaced by G.
Protein change: p.Lys514Arg; replaces lysine 514 with arginine.
Molecular consequence: missense variant.
Genome position (GRCh38, 1-based): chr10:52,280,926, A>G. VCF-style: chr10-52280926-A-G. GRCh37 (hg19) VCF-style: chr10-54040686-A-G.
Other names: c.1496A>G, p.Lys499Arg (NM_001098512.3); c.332A>G, p.Lys111Arg (NM_001374781.1); short protein forms K514R, K111R, K499R.
Identifiers: ClinVar variation 5027364 (VCV005027364.1).